The following is an entry in ClinVar:

NM_004006.3(DMD):c.5060A>T (p.Asn1687Ile)

Gene: DMD (dystrophin; minus strand). Cytogenetic location: Xp21.1.
Variant type: single nucleotide variant.
Coding change: c.5060A>T on transcript NM_004006.3 (MANE Select); coding-DNA position 5060, A replaced by T.
Protein change: p.Asn1687Ile; replaces asparagine 1687 with isoleucine.
Molecular consequence: missense variant.
Genome position (GRCh38, 1-based): chrX:32,364,676, T>A on the plus strand (A>T on the coding strand, the complement: DMD is on the minus strand). VCF-style: chrX-32364676-T-A. GRCh37 (hg19) VCF-style: chrX-32382793-T-A.
Other names: c.5036A>T, p.Asn1679Ile (NM_000109.4); c.5048A>T, p.Asn1683Ile (NM_004009.3); c.4691A>T, p.Asn1564Ile (NM_004010.3); c.1037A>T, p.Asn346Ile (NM_004011.4); c.1028A>T, p.Asn343Ile (NM_004012.4); short protein forms N1564I, N1679I, N1683I, N1687I, N343I, N346I.
Identifiers: ClinVar variation 3907259 (VCV003907259.2).

ClinVar aggregate classification (germline): Uncertain significance. Review status: criteria provided, multiple submitters, no conflicts (2 of 4 stars). 2 submissions from 2 submitters: Uncertain significance (2). Last evaluated 2025-10-16.

Conditions:
Duchenne muscular dystrophy (DMD). Also called: Duchenne Muscular Dystrophy (DMD); MUSCULAR DYSTROPHY, PSEUDOHYPERTROPHIC PROGRESSIVE, DUCHENNE TYPE. Identifiers: Orphanet 98896, MedGen C0013264, MONDO:0010679, OMIM 310200.

gnomAD v4.1: 1 of 1,210,042 alleles (0.000083%); highest among the groups gnomAD compares: Admixed American, 0.0022%; no homozygotes.

Submissions (2):

Labcorp Genetics (formerly Invitae), Labcorp
Classification: Uncertain significance for Duchenne muscular dystrophy. Last evaluated: 2025-10-16. Review status: criteria provided, single submitter. Criteria: Invitae Variant Classification Sherloc (09022015). Collection method: clinical testing. Allele origin: germline.
Comment: This sequence change replaces asparagine, which is neutral and polar, with isoleucine, which is neutral and non-polar, at codon 1687 of the DMD protein (p.Asn1687Ile). This variant is not present in population databases (gnomAD no frequency). This variant has not been reported in the literature in individuals affected with DMD-related conditions. ClinVar contains an entry for this variant (Variation ID: 3907259). Invitae Evidence Modeling of protein sequence and biophysical properties (such as structural, functional, and spatial information, amino acid conservation, physicochemical variation, residue mobility, and thermodynamic stability) indicates that this missense variant is not expected to disrupt DMD protein function with a negative predictive value of 95%. In summary, the available evidence is currently insufficient to determine the role of this variant in disease. Therefore, it has been classified as a Variant of Uncertain Significance.

Women's Health and Genetics/Laboratory Corporation of America, LabCorp
Classification: Uncertain significance. Last evaluated: 2025-06-30. Review status: criteria provided, single submitter. Criteria: LabCorp Variant Classification Summary - May 2015. Collection method: clinical testing. Allele origin: germline.
Comment: Variant summary: DMD c.5060A>T (p.Asn1687Ile) results in a non-conservative amino acid change in the encoded protein sequence. Algorithms developed to predict the effect of missense changes on protein structure and function are either unavailable or do not agree on the potential impact of this missense change. The variant was absent in 182919 control chromosomes. The available data on variant occurrences in the general population are insufficient to allow any conclusion about variant significance. To our knowledge, no occurrence of c.5060A>T in individuals affected with Dystrophinopathies and no experimental evidence demonstrating its impact on protein function have been reported. No submitters have cited clinical-significance assessments for this variant to ClinVar. Based on the evidence outlined above, the variant was classified as uncertain significance.